The following is an entry in ClinVar:

ClinVar aggregate classification (germline): Likely benign. Review status: criteria provided, multiple submitters, no conflicts (2 of 4 stars). 3 submissions from 3 submitters: Likely benign (3). Last evaluated 2026-06-18.

Conditions:
Retinoblastoma (RB1). Also called: RETINOBLASTOMA, SOMATIC. Identifiers: Orphanet 790, MedGen C0035335, MeSH D012175, MONDO:0008380, OMIM 180200, HP:0009919. Disease mechanism: loss of function. Inheritance: Both sporadic and heritable forms are tested..
Hereditary cancer-predisposing syndrome. Also called: Neoplastic Syndromes, Hereditary; Hereditary Cancer Syndrome; Hereditary neoplastic syndrome; Tumor predisposition. Identifiers: Orphanet 140162, MedGen C0027672, MeSH D009386, MONDO:0015356.

Allele frequency attached by ClinVar (database versions not stated): gnomAD exomes below 0.00001 and 0.00001; TOPMed 0.00001.
gnomAD v4.1: 2 of 1,600,868 alleles (0.00012%); highest among the groups gnomAD compares: Admixed American, 0.0017%; no homozygotes.

Submissions (3):

Myriad Genetics, Inc.
Classification: Likely benign for Retinoblastoma. Last evaluated: 2026-06-18. Review status: criteria provided, single submitter. Criteria: Myriad Autosomal Dominant, Autosomal Recessive and X-Linked Classification Criteria (2023). Collection method: clinical testing. Allele origin: unknown.
Comment: This variant is considered likely benign. This variant is intronic and is not expected to impact mRNA splicing.

Labcorp Genetics (formerly Invitae), Labcorp
Classification: Likely benign for Retinoblastoma. Last evaluated: 2025-03-31. Review status: criteria provided, single submitter. Criteria: Invitae Variant Classification Sherloc (09022015). Collection method: clinical testing. Allele origin: germline.

Ambry Genetics
Classification: Likely benign for Hereditary cancer-predisposing syndrome. Last evaluated: 2023-03-30. Review status: criteria provided, single submitter. Criteria: Ambry Variant Classification Scheme 2023. Collection method: clinical testing. Allele origin: germline.

NM_000321.3(RB1):c.138-4G>A

Gene: RB1 (RB transcriptional corepressor 1; plus strand). Cytogenetic location: 13q14.2.
Variant type: single nucleotide variant.
Coding change: c.138-4G>A on transcript NM_000321.3 (MANE Select); 4 bases into the intron before coding-DNA position 138, G replaced by A.
Molecular consequence: intron variant.
Genome position (GRCh38, 1-based): chr13:48,307,276, G>A. VCF-style: chr13-48307276-G-A. GRCh37 (hg19) VCF-style: chr13-48881412-G-A.
Identifiers: ClinVar variation 527943 (VCV000527943.13), dbSNP rs1010049143, ClinGen allele CA249842399.
Genomic context (GRCh38, chr13:48,307,276, plus strand): 5'-GTATGTACTGAATCAATTTGATTTATAAGTATATGCCAATTATATGATTATTTTCATTTG[G>A]TAGGCTTGAGTTTGAAGAAACAGAAGAACCTGATTTTACTGCATTATGTCAGAAATTAAA-3'